The following is an entry in ClinVar:

NM_005228.5(EGFR):c.1499-4G>T

Gene: EGFR (epidermal growth factor receptor; plus strand). Cytogenetic location: 7p11.2.
Variant type: single nucleotide variant.
Coding change: c.1499-4G>T on transcript NM_005228.5 (MANE Select); 4 bases into the intron before coding-DNA position 1499, G replaced by T.
Molecular consequence: intron variant.
Genome position (GRCh38, 1-based): chr7:55,161,495, G>T. VCF-style: chr7-55161495-G-T. GRCh37 (hg19) VCF-style: chr7-55229188-G-T.
Other names: c.1364-4G>T (NM_001346899.2, NM_001346897.2); c.698-4G>T (NM_001346941.2); c.1499-4G>T (NM_001346898.2, NM_201284.2, NM_201282.2 and 1 more transcripts); c.1340-4G>T (NM_001346900.2).
Identifiers: ClinVar variation 1019826 (VCV001019826.9), dbSNP rs577648478, ClinGen allele CA1708906413.
Genomic context (GRCh38, chr7:55,161,495, plus strand): 5'-TCTCCTCCGGCCCCTCGGGTCCCTGCTCTGTCACTGACTGCTGTGACCCACTCTGTCTCC[G>T]CAGAGGCCACAGGCCAGGTCTGCCATGCCTTGTGCTCCCCCGAGGGCTGCTGGGGCCCGG-3'

ClinVar aggregate classification (germline): Uncertain significance. Review status: criteria provided, multiple submitters, no conflicts (2 of 4 stars). 2 submissions from 2 submitters: Uncertain significance (2). Last evaluated 2025-04-19.

Conditions:
Hereditary cancer-predisposing syndrome. Also called: Tumor predisposition; Neoplastic Syndromes, Hereditary; Hereditary neoplastic syndrome; Hereditary Cancer Syndrome. Identifiers: Orphanet 140162, MedGen C0027672, MeSH D009386, MONDO:0015356.
EGFR-related lung cancer (EGFR). Identifiers: MedGen CN130014.

gnomAD v4.1: 6 of 1,613,380 alleles (0.00037%); highest among the groups gnomAD compares: Non-Finnish European, 0.00051%; no homozygotes.

Submissions (2):

Ambry Genetics
Classification: Uncertain significance for Hereditary cancer-predisposing syndrome. Last evaluated: 2025-04-19. Review status: criteria provided, single submitter. Criteria: Ambry Variant Classification Scheme 2023. Collection method: clinical testing. Allele origin: germline.
Comment: The c.1499-4G>T intronic variant results from a G to T substitution 4 nucleotides upstream from coding exon 13 in the EGFR gene. This nucleotide position is poorly conserved in available vertebrate species. In silico splice site analysis predicts that this alteration may weaken the native splice acceptor site. Based on the available evidence, the clinical significance of this variant remains unclear.

Labcorp Genetics (formerly Invitae), Labcorp
Classification: Uncertain significance for EGFR-related lung cancer. Last evaluated: 2024-04-29. Review status: criteria provided, single submitter. Criteria: Invitae Variant Classification Sherloc (09022015). Collection method: clinical testing. Allele origin: germline.
Comment: This sequence change falls in intron 12 of the EGFR gene. It does not directly change the encoded amino acid sequence of the EGFR protein. This variant is not present in population databases (gnomAD no frequency). This variant has not been reported in the literature in individuals affected with EGFR-related conditions. ClinVar contains an entry for this variant (Variation ID: 1019826). Algorithms developed to predict the effect of sequence changes on RNA splicing suggest that this variant may disrupt the consensus splice site. In summary, the available evidence is currently insufficient to determine the role of this variant in disease. Therefore, it has been classified as a Variant of Uncertain Significance.